The following is an entry in ClinVar:

NM_000535.7(PMS2):c.250+5G>A

Gene: PMS2 (PMS1 homolog 2, mismatch repair system component; minus strand). Cytogenetic location: 7p22.1.
Variant type: single nucleotide variant.
Coding change: c.250+5G>A on transcript NM_000535.7 (MANE Select); 5 bases into the intron after coding-DNA position 250, G replaced by A.
Molecular consequence: intron variant.
Genome position (GRCh38, 1-based): chr7:6,003,967, C>T on the plus strand (G>A on the coding strand, the complement: PMS2 is on the minus strand). VCF-style: chr7-6003967-C-T. GRCh37 (hg19) VCF-style: chr7-6043598-C-T.
Other names: c.250+5G>A (NM_000535.6, NM_001322006.2, NM_001322014.2); c.35+5G>A (NM_001322008.2, NM_001322007.2); c.-156+5G>A (NM_001322010.2, NM_001322004.2, NM_001322013.2 and 3 more transcripts); c.-635+5G>A (NM_001322012.2, NM_001322011.2); c.-235+5G>A (NM_001322015.2).
Identifiers: ClinVar variation 486048 (VCV000486048.16), dbSNP rs1458809226, ClinGen allele CA658657655.

ClinVar aggregate classification (germline): Uncertain significance. Review status: criteria provided, multiple submitters, no conflicts (2 of 4 stars). 4 submissions from 4 submitters: Uncertain significance (4). Last evaluated 2025-04-28.

Conditions:
Hereditary nonpolyposis colorectal neoplasms. Identifiers: MedGen C0009405, MeSH D003123.
Hereditary cancer-predisposing syndrome. Also called: Tumor predisposition; Hereditary Cancer Syndrome; Hereditary neoplastic syndrome; Neoplastic Syndromes, Hereditary. Identifiers: Orphanet 140162, MedGen C0027672, MeSH D009386, MONDO:0015356.

Submissions (4):

Quest Diagnostics Nichols Institute San Juan Capistrano
Classification: Uncertain significance. Last evaluated: 2025-04-28. Review status: criteria provided, single submitter. Criteria: Quest Diagnostics criteria. Collection method: clinical testing. Allele origin: unknown.
Comment: The PMS2 c.250+5G>A variant has not been reported in individuals with PMS2-related conditions in the published literature. The frequency of this variant in the general population (Genome Aggregation Database) is uninformative in the assessment of its pathogenicity. Analysis of this variant using software algorithms for the prediction of the effect of nucleotide changes on splicing yielded predictions that this variant may affect proper PMS2 mRNA splicing. Based on the available information, we are unable to determine the clinical significance of this variant.

Labcorp Genetics (formerly Invitae), Labcorp
Classification: Uncertain significance for Hereditary nonpolyposis colorectal neoplasms. Last evaluated: 2024-11-20. Review status: criteria provided, single submitter. Criteria: Invitae Variant Classification Sherloc (09022015). Collection method: clinical testing. Allele origin: germline.
Comment: This sequence change falls in intron 3 of the PMS2 gene. It does not directly change the encoded amino acid sequence of the PMS2 protein. It affects a nucleotide within the consensus splice site. This variant is not present in population databases (gnomAD no frequency). This variant has not been reported in the literature in individuals affected with PMS2-related conditions. ClinVar contains an entry for this variant (Variation ID: 486048). Variants that disrupt the consensus splice site are a relatively common cause of aberrant splicing (PMID: 17576681, 9536098). Studies have shown that this variant is associated with inconclusive levels of altered splicing (internal data). In summary, the available evidence is currently insufficient to determine the role of this variant in disease. Therefore, it has been classified as a Variant of Uncertain Significance.

Ambry Genetics
Classification: Uncertain significance for Hereditary cancer-predisposing syndrome. Last evaluated: 2024-03-27. Review status: criteria provided, single submitter. Criteria: Ambry Variant Classification Scheme 2023. Collection method: clinical testing. Allele origin: germline.
Comment: The c.250+5G>A intronic variant results from a G to A substitution 5 nucleotides after coding exon 3 in the PMS2 gene. This nucleotide position is highly conserved in available vertebrate species. In silico splice site analysis predicts that this alteration will not have any significant effect on splicing. Based on the available evidence, the clinical significance of this alteration remains unclear.

Color Diagnostics, LLC DBA Color Health
Classification: Uncertain significance for Hereditary cancer-predisposing syndrome. Last evaluated: 2023-06-14. Review status: criteria provided, single submitter. Criteria: ACMG Guidelines, 2015. Collection method: clinical testing. Allele origin: germline.
Comment: This variant causes a G to A nucleotide substitution at the +5 position of intron 3 of the PMS2 gene. Splice site prediction tools predict that this variant may have a significant impact on RNA splicing, although this prediction has not been confirmed in published RNA studies. To our knowledge, functional studies have not been reported for this variant. This variant has not been reported in individuals affected with PMS2-related disorders in the literature. This variant has been identified in 1/250676 chromosomes in the general population by the Genome Aggregation Database (gnomAD). The available evidence is insufficient to determine the role of this variant in disease conclusively. Therefore, this variant is classified as a Variant of Uncertain Significance.

Literature cited by the submitters: PubMed 17576681 (cited by Labcorp Genetics (formerly Invitae), Labcorp); PubMed 9536098 (cited by Labcorp Genetics (formerly Invitae), Labcorp).